The following is an entry in ClinVar:

ClinVar aggregate classification (germline): Likely pathogenic. Review status: criteria provided, multiple submitters, no conflicts (2 of 4 stars). 5 submissions from 5 submitters: Likely pathogenic (5). Last evaluated 2025-07-02.

Conditions:
Familial hemophagocytic lymphohistiocytosis 2 (FHL2). Also called: PRF1-Related Familial Hemophagocytic Lymphohistiocytosis (PRF1-fHLH). Identifiers: Orphanet 540, MedGen C1863727, MONDO:0011337, OMIM 603553.
Lymphoma, non-Hodgkin, familial. Identifiers: MedGen C4721532, MONDO:0011508, OMIM 605027.
Aplastic anemia. Identifiers: Orphanet 182040, Orphanet 88, MedGen C0002874, MONDO:0015909, OMIM 609135, HP:0001915.
Familial hemophagocytic lymphohistiocytosis (FHL). Also called: Familial erythrophagocytic lymphohistiocytosis; Familial histiocytic reticulosis; Hereditary hemophagocytic lymphohistiocytosis. Identifiers: Orphanet 158038, Orphanet 540, MedGen C0272199, MONDO:0015541.

Allele frequency attached by ClinVar (database versions not stated): ExAC 0.00001.
gnomAD v4.1: 1 of 1,612,320 alleles (0.000062%); highest among the groups gnomAD compares: South Asian, 0.0011%; no homozygotes.

Submissions (5):

Women's Health and Genetics/Laboratory Corporation of America, LabCorp
Classification: Likely pathogenic for Familial hemophagocytic lymphohistiocytosis. Last evaluated: 2025-07-02. Review status: criteria provided, single submitter. Criteria: LabCorp Variant Classification Summary - May 2015. Collection method: clinical testing. Allele origin: germline.
Comment: Variant summary: PRF1 c.147C>A (p.Asp49Glu) results in a conservative amino acid change located in the Membrane attack complex component/perforin (MACPF) domain (IPR020864) of the encoded protein sequence. Algorithms developed to predict the effect of missense changes on protein structure and function are either unavailable or do not agree on the potential impact of this missense change. The variant allele was found at a frequency of 4e-06 in 247816 control chromosomes. c.147C>A has been reported in the literature in the compound heterozygous state in individuals affected with Familial Hemophagocytic Lymphohistiocytosis (e.g. Guan_2021, Hao_2021, Li_2023, internal data).These data indicate that the variant is likely to be associated with disease. To our knowledge, no experimental evidence demonstrating an impact on protein function has been reported. The following publications have been ascertained in the context of this evaluation (PMID: 34170459, 33942430). ClinVar contains an entry for this variant (Variation ID: 1012308). Based on the evidence outlined above, the variant was classified as likely pathogenic.

Fulgent Genetics
Classification: Likely pathogenic for Familial hemophagocytic lymphohistiocytosis 2; Lymphoma, non-Hodgkin, familial; Aplastic anemia. Last evaluated: 2024-06-04. Review status: criteria provided, single submitter. Criteria: ACMG Guidelines, 2015. Collection method: clinical testing. Allele origin: germline.

Labcorp Genetics (formerly Invitae), Labcorp
Classification: Likely pathogenic for Familial hemophagocytic lymphohistiocytosis 2. Last evaluated: 2023-10-04. Review status: criteria provided, single submitter. Criteria: Invitae Variant Classification Sherloc (09022015). Collection method: clinical testing. Allele origin: germline.
Comment: This sequence change replaces aspartic acid, which is acidic and polar, with glutamic acid, which is acidic and polar, at codon 49 of the PRF1 protein (p.Asp49Glu). This variant is present in population databases (rs761310644, gnomAD 0.003%). This missense change has been observed in individual(s) with clinical features of hemophagocytic lymphohistiocytosis (PMID: 33942430, 34170459; Invitae). In at least one individual the data is consistent with being in trans (on the opposite chromosome) from a pathogenic variant. It has also been observed to segregate with disease in related individuals. ClinVar contains an entry for this variant (Variation ID: 1012308). Advanced modeling of protein sequence and biophysical properties (such as structural, functional, and spatial information, amino acid conservation, physicochemical variation, residue mobility, and thermodynamic stability) has been performed at Invitae for this missense variant, however the output from this modeling did not meet the statistical confidence thresholds required to predict the impact of this variant on PRF1 protein function. This variant disrupts the p.Asp49 amino acid residue in PRF1. Other variant(s) that disrupt this residue have been observed in individuals with PRF1-related conditions (PMID: 22186995), which suggests that this may be a clinically significant amino acid residue. In summary, the currently available evidence indicates that the variant is pathogenic, but additional data are needed to prove that conclusively. Therefore, this variant has been classified as Likely Pathogenic.

Beijing Key Laboratry for Genetics of Birth Defects, Beijing Children's Hospital
Classification: Likely pathogenic for Familial hemophagocytic lymphohistiocytosis 2. Last evaluated: 2020-12-20. Review status: criteria provided, single submitter. Criteria: ACMG Guidelines, 2015. Collection method: clinical testing. Allele origin: germline. Affected: yes. Observed: 1 variant allele.

Juno Genomics, Hangzhou Juno Genomics, Inc
Classification: Likely pathogenic for Aplastic anemia; Familial hemophagocytic lymphohistiocytosis 2; Lymphoma, non-Hodgkin, familial. Review status: criteria provided, single submitter. Criteria: ACMG Guidelines, 2015. Collection method: clinical testing. Allele origin: germline.
Comment: Absent from controls (or at extremely low frequency if recessive) in Genome Aggregation Database.;Multiple lines of computational evidence support a deleterious effect on the gene or gene product.;For recessive disorders, detected in trans with a pathogenic variant.

Literature cited by the submitters: PubMed 34170459 (cited by Women's Health and Genetics/Laboratory Corporation of America, LabCorp and Labcorp Genetics (formerly Invitae), Labcorp); PubMed 33942430 (cited by Women's Health and Genetics/Laboratory Corporation of America, LabCorp and Labcorp Genetics (formerly Invitae), Labcorp); PubMed 22186995 (cited by Labcorp Genetics (formerly Invitae), Labcorp and Beijing Key Laboratry for Genetics of Birth Defects, Beijing Children's Hospital).

NM_001083116.3(PRF1):c.147C>A (p.Asp49Glu)

Gene: PRF1 (perforin 1; minus strand). Cytogenetic location: 10q22.1.
Variant type: single nucleotide variant.
Coding change: c.147C>A on transcript NM_001083116.3 (MANE Select); coding-DNA position 147, C replaced by A.
Protein change: p.Asp49Glu; replaces aspartic acid 49 with glutamic acid.
Molecular consequence: missense variant.
Genome position (GRCh38, 1-based): chr10:70,600,756, G>T on the plus strand (C>A on the coding strand, the complement: PRF1 is on the minus strand). VCF-style: chr10-70600756-G-T. GRCh37 (hg19) VCF-style: chr10-72360512-G-T.
Other names: c.147C>A, p.Asp49Glu (NM_005041.6); short protein forms D49E.
Identifiers: ClinVar variation 1012308 (VCV001012308.18), dbSNP rs761310644, ClinGen allele CA5539119.